The following is an entry in ClinVar:

NM_006231.4(POLE):c.3545A>T (p.Lys1182Met)

Gene: POLE (DNA polymerase epsilon, catalytic subunit; minus strand). Cytogenetic location: 12q24.33.
Variant type: single nucleotide variant.
Coding change: c.3545A>T on transcript NM_006231.4 (MANE Select); coding-DNA position 3545, A replaced by T.
Protein change: p.Lys1182Met; replaces lysine 1182 with methionine.
Molecular consequence: missense variant.
Genome position (GRCh38, 1-based): chr12:132,657,173, T>A on the plus strand (A>T on the coding strand, the complement: POLE is on the minus strand). VCF-style: chr12-132657173-T-A. GRCh37 (hg19) VCF-style: chr12-133233759-T-A.
Other names: c.3545A>T (NM_006231.2); short protein forms K1182M.
Identifiers: ClinVar variation 961174 (VCV000961174.11), dbSNP rs1188948701, ClinGen allele CA387388435.

ClinVar aggregate classification (germline): Uncertain significance. Review status: criteria provided, multiple submitters, no conflicts (2 of 4 stars). 2 submissions from 2 submitters: Uncertain significance (2). Last evaluated 2023-03-08.

Conditions:
Hereditary cancer-predisposing syndrome. Also called: Tumor predisposition; Hereditary neoplastic syndrome; Hereditary Cancer Syndrome; Neoplastic Syndromes, Hereditary. Identifiers: Orphanet 140162, MedGen C0027672, MeSH D009386, MONDO:0015356.

Submissions (2):

Ambry Genetics
Classification: Uncertain significance for Hereditary cancer-predisposing syndrome. Last evaluated: 2023-03-08. Review status: criteria provided, single submitter. Criteria: Ambry Variant Classification Scheme 2023. Collection method: clinical testing. Allele origin: germline.
Comment: The p.K1182M variant (also known as c.3545A>T), located in coding exon 29 of the POLE gene, results from an A to T substitution at nucleotide position 3545. The lysine at codon 1182 is replaced by methionine, an amino acid with similar properties. This amino acid position is conserved. In addition, the in silico prediction for this alteration is inconclusive. Since supporting evidence is limited at this time, the clinical significance of this alteration remains unclear.

Labcorp Genetics (formerly Invitae), Labcorp
Classification: Uncertain significance. Last evaluated: 2019-09-02. Review status: criteria provided, single submitter. Criteria: Invitae Variant Classification Sherloc (09022015). Collection method: clinical testing. Allele origin: germline.
Comment: In summary, the available evidence is currently insufficient to determine the role of this variant in disease. Therefore, it has been classified as a Variant of Uncertain Significance. Algorithms developed to predict the effect of missense changes on protein structure and function are either unavailable or do not agree on the potential impact of this missense change (SIFT: "Deleterious"; PolyPhen-2: "Possibly Damaging"; Align-GVGD: "Class C0"). This variant has not been reported in the literature in individuals with POLE-related conditions. This variant is not present in population databases (ExAC no frequency). This sequence change replaces lysine with methionine at codon 1182 of the POLE protein (p.Lys1182Met). The lysine residue is moderately conserved and there is a moderate physicochemical difference between lysine and methionine.